The following is an entry in ClinVar:

NM_024642.5(GALNT12):c.744G>C (p.Glu248Asp)

Gene: GALNT12 (polypeptide N-acetylgalactosaminyltransferase 12; plus strand). Cytogenetic location: 9q22.33.
Variant type: single nucleotide variant.
Coding change: c.744G>C on transcript NM_024642.5 (MANE Select); coding-DNA position 744, G replaced by C.
Protein change: p.Glu248Asp; replaces glutamic acid 248 with aspartic acid.
Molecular consequence: missense variant.
Genome position (GRCh38, 1-based): chr9:98,831,784, G>C. VCF-style: chr9-98831784-G-C. GRCh37 (hg19) VCF-style: chr9-101594066-G-C.
Other names: short protein forms E248D.
Identifiers: ClinVar variation 827056 (VCV000827056.4), dbSNP rs1588449816, ClinGen allele CA374217914.
Genomic context (GRCh38, chr9:98,831,784, plus strand): 5'-CTGCCCGTCTGCATAGGAGAGACGGATGGATGTCTTGGGTGCTTTCAGGATCCATGAAGA[G>C]GAGTCGGCAGTGGTGTGCCCGGTGATTGATGTGATCGACTGGAACACCTTCGAATACCTG-3'
Protein context (NP_078918.3, residues 238-258): LEPLLQRIHE[Glu248Asp]ESAVVCPVID

ClinVar aggregate classification (germline): Uncertain significance (1 of 4 stars; one submission).

Submission:

Ambry Genetics
Classification: Uncertain significance. Last evaluated: 2019-03-20. Review status: criteria provided, single submitter. Criteria: Ambry Variant Classification Scheme 2023. Collection method: clinical testing. Allele origin: germline.
Comment: The p.E248D variant (also known as c.744G>C), located in coding exon 4 of the GALNT12 gene, results from a G to C substitution at nucleotide position 744. The glutamic acid at codon 248 is replaced by aspartic acid, an amino acid with highly similar properties. This amino acid position is not well conserved in available vertebrate species. In addition, this alteration is predicted to be tolerated by in silico analysis. Since supporting evidence is limited at this time, the clinical significance of this alteration remains unclear.